The following is an entry in ClinVar:

ClinVar aggregate classification (germline): Conflicting classifications of pathogenicity. Review status: criteria provided, conflicting classifications (1 of 4 stars). 3 submissions from 3 submitters: Uncertain significance (1); Likely benign (1). 1 of the submissions does not count toward it. Last evaluated 2024-08-27.

Conditions:
HOXD13-related disorder. Also called: HOXD13-related condition; HOXD13-related disorders.

Submissions (3):

Labcorp Genetics (formerly Invitae), Labcorp
Classification: Uncertain significance. Last evaluated: 2024-08-27. Review status: criteria provided, single submitter. Criteria: Invitae Variant Classification Sherloc (09022015). Collection method: clinical testing. Allele origin: germline.
Comment: This variant, c.183_206del, results in the deletion of 8 amino acid(s) of the HOXD13 protein (p.Ala64_Ala71del), but otherwise preserves the integrity of the reading frame. The frequency data for this variant in the population databases is considered unreliable, as metrics indicate poor data quality at this position in the gnomAD database. This variant has not been reported in the literature in individuals affected with HOXD13-related conditions. ClinVar contains an entry for this variant (Variation ID: 2651558). This variant disrupts a region of the HOXD13 protein in which other variant(s) (p.Ala68_Ala71del) have been observed in individuals with HOXD13-related conditions (PMID: 18399101). This suggests that this is a clinically significant region of the protein, and that variants that disrupt it are likely to be disease-causing. In summary, the available evidence is currently insufficient to determine the role of this variant in disease. Therefore, it has been classified as a Variant of Uncertain Significance.

CeGaT Center for Human Genetics Tuebingen
Classification: Likely benign. Last evaluated: 2024-06-01. Review status: criteria provided, single submitter. Criteria: CeGaT Center For Human Genetics Tuebingen Variant Classification Criteria Version 2. Collection method: clinical testing. Allele origin: germline. Affected: yes. Observed: 2 variant alleles.
Comment: HOXD13: BS2

PreventionGenetics, part of Exact Sciences
Classification: Likely benign for HOXD13-related condition. Last evaluated: 2019-06-06. Review status: no assertion criteria provided. Collection method: clinical testing. Allele origin: germline. Not counted in ClinVar's aggregate classification.
Comment: This variant is classified as likely benign based on ACMG/AMP sequence variant interpretation guidelines (Richards et al. 2015 PMID: 25741868, with internal and published modifications).

Literature cited by the submitters: PubMed 18399101 (cited by Labcorp Genetics (formerly Invitae), Labcorp).

NM_000523.4(HOXD13):c.183_206del (p.Ala64_Ala71del)

Gene: HOXD13 (homeobox D13; plus strand). Cytogenetic location: 2q31.1.
Variant type: Deletion.
Coding change: c.183_206del on transcript NM_000523.4 (MANE Select); coding-DNA positions 183 to 206, 24 bases deleted (AGCGGCGGCTGCGGCGGCGGCGGC).
Protein change: p.Ala64_Ala71del.
Molecular consequence: inframe deletion.
Genome position (GRCh38, 1-based): chr2:176,093,073-176,093,096, AGCGGCGGCTGCGGCGGCGGCGGC deleted; deleting any 24 consecutive bases within chr2:176,093,059-176,093,096 gives the same sequence; the c. name uses the placement nearest the transcript's 3' end. VCF-style (leftmost placement, unchanged base first): chr2-176093058-GGCGGCGGCGGCGGCAGCGGCGGCT-G. GRCh37 (hg19) VCF-style: chr2-176957786-GGCGGCGGCGGCGGCAGCGGCGGCT-G.
Other names: c.183_206del24 (NM_000523.3).
Identifiers: ClinVar variation 2651558 (VCV002651558.27), dbSNP rs756844068, ClinGen allele CA1976513.